The following is an entry in ClinVar:

ClinVar aggregate classification (germline): Uncertain significance (1 of 4 stars; one submission).

Conditions:
POLD3-related disorder. Also called: POLD3-related condition.

gnomAD v4.1: 8 of 1,614,136 alleles (0.0005%); highest among the groups gnomAD compares: Non-Finnish European, 0.00068%; no homozygotes.

Submission:

PreventionGenetics, part of Exact Sciences
Classification: Uncertain significance for POLD3-related condition. Last evaluated: 2025-03-24. Review status: criteria provided, single submitter. Criteria: ACMG Guidelines, 2015. Collection method: clinical testing. Allele origin: germline.
Comment: The POLD3 c.507C>A variant is predicted to result in the amino acid substitution p.Asn169Lys. To our knowledge, this variant has not been reported in the literature. This variant is reported in 0.00088% of alleles in individuals of European (Non-Finnish) descent in gnomAD. At this time, the clinical significance of this variant is uncertain due to the absence of conclusive functional and genetic evidence.

NM_006591.3(POLD3):c.507C>A (p.Asn169Lys)

Gene: POLD3 (DNA polymerase delta 3, accessory subunit; plus strand). Cytogenetic location: 11q13.4.
Variant type: single nucleotide variant.
Coding change: c.507C>A on transcript NM_006591.3 (MANE Select); coding-DNA position 507, C replaced by A.
Protein change: p.Asn169Lys; replaces asparagine 169 with lysine.
Molecular consequence: missense variant. On other transcripts: non-coding transcript variant (2).
Genome position (GRCh38, 1-based): chr11:74,618,651, C>A. VCF-style: chr11-74618651-C-A. GRCh37 (hg19) VCF-style: chr11-74329696-C-A.
Other names: c.390C>A, p.Asn130Lys (NM_001363597.2); short protein forms N130K, N169K.
Identifiers: ClinVar variation 4988713 (VCV004988713.1).